The following is an entry in ClinVar:

ClinVar aggregate classification (germline): Conflicting classifications of pathogenicity. Review status: criteria provided, conflicting classifications (1 of 4 stars). 3 submissions from 3 submitters: Uncertain significance (2); Likely benign (1). Last evaluated 2025-11-20.

Conditions:
Inborn genetic diseases. Identifiers: MedGen C0950123, MeSH D030342.
Exudative vitreoretinopathy 4 (EVR4). Identifiers: Orphanet 891, MedGen C1866176, MONDO:0011151, OMIM 601813.
Exudative vitreoretinopathy 1 (EVR1). Also called: CRISWICK-SCHEPENS SYNDROME; FEVR, AUTOSOMAL DOMINANT; Familial exudative vitreoretinopathy, autosomal dominant. Identifiers: Orphanet 891, Orphanet 90050, MedGen C1851402, MONDO:0007589, OMIM 133780.
Osteoporosis. Identifiers: MedGen C0029456, MONDO:0005298, OMIM 166710, HP:0000939.
Osteoporosis with pseudoglioma (OPPG). Also called: osteoporosis-pseudoglioma syndrome. Identifiers: Orphanet 2788, MedGen C0432252, MONDO:0009820, OMIM 259770.
Autosomal dominant osteopetrosis 1 (OPTA1). Also called: OSTEOPETROSIS, AUTOSOMAL DOMINANT, TYPE I. Identifiers: Orphanet 2783, MedGen C1843330, MONDO:0011877, OMIM 607634.
Bone mineral density quantitative trait locus 1 (BMND1). Identifiers: MedGen C1866079, OMIM 601884.
Worth disease. Also called: Autosomal dominant osteosclerosis, Worth type; ENDOSTEAL HYPEROSTOSIS, AUTOSOMAL DOMINANT; OSTEOSCLEROSIS, AUTOSOMAL DOMINANT. Identifiers: Orphanet 2790, MedGen C0432273, MONDO:0007764, OMIM 144750.
Polycystic liver disease 4 with or without kidney cysts. Identifiers: MedGen C4693479, MONDO:0044327, OMIM 617875.

Allele frequency attached by ClinVar (database versions not stated): ExAC 0.00001; gnomAD 0.00001; gnomAD exomes 0.00003; TOPMed 0.00005; 1000 Genomes Project 0.00020; 1000 Genomes Project 30x 0.00031.

Submissions (3):

Labcorp Genetics (formerly Invitae), Labcorp
Classification: Uncertain significance. Last evaluated: 2025-11-20. Review status: criteria provided, single submitter. Criteria: Invitae Variant Classification Sherloc (09022015). Collection method: clinical testing. Allele origin: germline.
Comment: This sequence change replaces arginine, which is basic and polar, with histidine, which is basic and polar, at codon 495 of the LRP5 protein (p.Arg495His). This variant is present in population databases (rs200409162, gnomAD 0.009%). This variant has not been reported in the literature in individuals affected with LRP5-related conditions. ClinVar contains an entry for this variant (Variation ID: 968174). Invitae Evidence Modeling of protein sequence and biophysical properties (such as structural, functional, and spatial information, amino acid conservation, physicochemical variation, residue mobility, and thermodynamic stability) indicates that this missense variant is not expected to disrupt LRP5 protein function with a negative predictive value of 95%. In summary, the available evidence is currently insufficient to determine the role of this variant in disease. Therefore, it has been classified as a Variant of Uncertain Significance.

Ambry Genetics
Classification: Likely benign for Inborn genetic diseases. Last evaluated: 2023-12-20. Review status: criteria provided, single submitter. Criteria: Ambry Variant Classification Scheme 2023. Collection method: clinical testing. Allele origin: germline.

Fulgent Genetics
Classification: Uncertain significance for Exudative vitreoretinopathy 1; Worth disease; Osteoporosis; Osteoporosis with pseudoglioma; Exudative vitreoretinopathy 4; Bone mineral density quantitative trait locus 1; Autosomal dominant osteopetrosis 1; Polycystic liver disease 4 with or without kidney cysts. Last evaluated: 2021-09-23. Review status: criteria provided, single submitter. Criteria: ACMG Guidelines, 2015. Collection method: clinical testing. Allele origin: unknown.

NM_002335.4(LRP5):c.1484G>A (p.Arg495His)

Gene: LRP5 (LDL receptor related protein 5; plus strand). Cytogenetic location: 11q13.2.
Variant type: single nucleotide variant.
Coding change: c.1484G>A on transcript NM_002335.4 (MANE Select); coding-DNA position 1484, G replaced by A.
Protein change: p.Arg495His; replaces arginine 495 with histidine.
Molecular consequence: missense variant. On other transcripts: intron variant (1).
Genome position (GRCh38, 1-based): chr11:68,389,952, G>A. VCF-style: chr11-68389952-G-A. GRCh37 (hg19) VCF-style: chr11-68157420-G-A.
Other names: c.-354+3240G>A (NM_001291902.2); c.1484G>A (NM_002335.2); short protein forms R495H.
Identifiers: ClinVar variation 968174 (VCV000968174.9), dbSNP rs200409162, ClinGen allele CA6149347.